The following is an entry in ClinVar:

NM_001378974.1(FBXW11):c.32C>T (p.Thr11Ile)

Gene: FBXW11 (F-box and WD repeat domain containing 11; minus strand). Cytogenetic location: 5q35.1.
Variant type: single nucleotide variant.
Coding change: c.32C>T on transcript NM_001378974.1 (MANE Select); coding-DNA position 32, C replaced by T.
Protein change: p.Thr11Ile; replaces threonine 11 with isoleucine.
Molecular consequence: missense variant. On other transcripts: 5 prime UTR variant (4).
Genome position (GRCh38, 1-based): chr5:172,006,471, G>A on the plus strand (C>T on the coding strand, the complement: FBXW11 is on the minus strand). VCF-style: chr5-172006471-G-A. GRCh37 (hg19) VCF-style: chr5-171433475-G-A.
Other names: c.-156C>T (NM_001378978.1); c.-227C>T (NM_001378979.1, NM_001378976.1); c.32C>T, p.Thr11Ile (NM_001378980.1, NM_012300.3, NM_033644.3 and 2 more transcripts); c.-188C>T (NM_001378977.1); short protein forms T11I.
Identifiers: ClinVar variation 4886748 (VCV004886748.2).

ClinVar aggregate classification (germline): Uncertain significance (1 of 4 stars; one submission).

gnomAD v4.1: 6 of 1,558,374 alleles (0.00039%); highest among the groups gnomAD compares: Non-Finnish European, 0.00052%; no homozygotes.

Submission:

Dasa
Classification: Uncertain significance. Last evaluated: 2025-08-26. Review status: criteria provided, single submitter. Criteria: DASA Assertion Criteria. Collection method: clinical testing. Allele origin: germline.
Comment: NM_001378974.1(FBXW11):c.32C>T (p.Thr11Ile) is a missense variant that results in the substitution of threonine with isoleucine. This variant is rare in population databases. The currently available literature and clinical evidence are not sufficient to establish a definitive association between this variant and the reported condition. Therefore, this variant is classified as a variant of uncertain significance.